The following is an entry in ClinVar:

NM_020987.5(ANK3):c.7747G>A (p.Glu2583Lys)

Gene: ANK3 (ankyrin 3; minus strand). Cytogenetic location: 10q21.2.
Variant type: single nucleotide variant.
Coding change: c.7747G>A on transcript NM_020987.5 (MANE Select); coding-DNA position 7747, G replaced by A.
Protein change: p.Glu2583Lys; replaces glutamic acid 2583 with lysine.
Molecular consequence: missense variant. On other transcripts: intron variant (4).
Genome position (GRCh38, 1-based): chr10:60,073,134, C>T on the plus strand (G>A on the coding strand, the complement: ANK3 is on the minus strand). VCF-style: chr10-60073134-C-T. GRCh37 (hg19) VCF-style: chr10-61832892-C-T.
Other names: c.4388-5125G>A (NM_001204403.2); c.4409-5125G>A (NM_001204404.2); c.4406-5125G>A (NM_001320874.2); c.1808-5125G>A (NM_001149.4); short protein forms E2583K.
Identifiers: ClinVar variation 2993419 (VCV002993419.3), dbSNP rs2083075801, ClinGen allele CA377009405.
Genomic context (GRCh38, chr10:60,073,134, plus strand): 5'-TTAGCTTTTCAGTTTTGTCACGAAAAAACTGTGACACTTCAGTCAGTTTTTCTTCAGCCT[C>T]CTTCACAGTCCTGTCCACCCTATCTTCATATATCAACTTCTCTCTACCTCTGTCTAATCT-3'
Protein context (NP_066267.2, residues 2573-2593): YEDRVDRTVK[Glu2583Lys]AEEKLTEVSQ

ClinVar aggregate classification (germline): Uncertain significance (1 of 4 stars; one submission).

Allele frequency attached by ClinVar (database versions not stated): gnomAD exomes below 0.00001; gnomAD 0.00001.
gnomAD v4.1: 8 of 1,614,020 alleles (0.0005%); highest among the groups gnomAD compares: Non-Finnish European, 0.00051%; no homozygotes.

Submission:

Labcorp Genetics (formerly Invitae), Labcorp
Classification: Uncertain significance. Last evaluated: 2023-04-18. Review status: criteria provided, single submitter. Criteria: Invitae Variant Classification Sherloc (09022015). Collection method: clinical testing. Allele origin: germline.
Comment: This variant is not present in population databases (gnomAD no frequency). This variant has not been reported in the literature in individuals affected with ANK3-related conditions. Advanced modeling of protein sequence and biophysical properties (such as structural, functional, and spatial information, amino acid conservation, physicochemical variation, residue mobility, and thermodynamic stability) has been performed at Invitae for this missense variant, however the output from this modeling did not meet the statistical confidence thresholds required to predict the impact of this variant on ANK3 protein function. In summary, the available evidence is currently insufficient to determine the role of this variant in disease. Therefore, it has been classified as a Variant of Uncertain Significance. This sequence change replaces glutamic acid, which is acidic and polar, with lysine, which is basic and polar, at codon 2583 of the ANK3 protein (p.Glu2583Lys).